The following is an entry in ClinVar:

NM_001395413.1(POR):c.336G>A (p.Ala112=)

Gene: POR (cytochrome p450 oxidoreductase; plus strand). Cytogenetic location: 7q11.23.
Variant type: single nucleotide variant.
Coding change: c.336G>A on transcript NM_001395413.1 (MANE Select); coding-DNA position 336, G replaced by A.
Protein change: p.Ala112=; no amino-acid change (alanine 112 retained).
Molecular consequence: synonymous variant.
Genome position (GRCh38, 1-based): chr7:75,979,558, G>A. VCF-style: chr7-75979558-G-A. GRCh37 (hg19) VCF-style: chr7-75608876-G-A.
Other names: c.345G>A, p.Ala115= (NM_000941.2, NM_000941.3); c.336G>A, p.Ala112= (NM_001367562.3, NM_001382657.2, NM_001382658.3 and 2 more transcripts); c.390G>A, p.Ala130= (NM_001382655.3).
Identifiers: ClinVar variation 2723341 (VCV002723341.5), dbSNP rs963959623, ClinGen allele CA160902067.
Genomic context (GRCh38, chr7:75,979,558, plus strand): 5'-GGAGTTTGCCAACCGCCTGTCCAAGGACGCCCACCGCTACGGGATGCGAGGCATGTCAGC[G>A]GACCCTGAGGAGTATGACCTGGTAAGCTGCCACCGCGTGCTGGCCCCAGATGGAGGCAGT-3'
Protein context (NP_001382342.1, residues 102-122): AHRYGMRGMS[Ala112=]DPEEYDLADL

ClinVar aggregate classification (germline): Likely benign. Review status: criteria provided, single submitter (1 of 4 stars). 2 submissions from 2 submitters: Likely benign (1). 1 of the submissions does not count toward it. Last evaluated 2026-01-05.

Conditions:
POR-related disorder. Also called: POR-related condition.
Congenital adrenal hyperplasia due to cytochrome P450 oxidoreductase deficiency. Also called: DISORDERED STEROIDOGENESIS DUE TO POR DEFICIENCY. Identifiers: Orphanet 95699, MedGen C1860042, MONDO:0013310, OMIM 613571.

Allele frequency attached by ClinVar (database versions not stated): gnomAD 0.00006; TOPMed 0.00006.
gnomAD v4.1: 44 of 1,613,396 alleles (0.0027%); highest among the groups gnomAD compares: African/African-American, 0.025%; no homozygotes.

Submissions (2):

Labcorp Genetics (formerly Invitae), Labcorp
Classification: Likely benign for Congenital adrenal hyperplasia due to cytochrome P450 oxidoreductase deficiency. Last evaluated: 2026-01-05. Review status: criteria provided, single submitter. Criteria: Invitae Variant Classification Sherloc (09022015). Collection method: clinical testing. Allele origin: germline.

PreventionGenetics, part of Exact Sciences
Classification: Likely benign for POR-related condition. Last evaluated: 2019-08-21. Review status: no assertion criteria provided. Collection method: clinical testing. Allele origin: germline. Not counted in ClinVar's aggregate classification.
Comment: This variant is classified as likely benign based on ACMG/AMP sequence variant interpretation guidelines (Richards et al. 2015 PMID: 25741868, with internal and published modifications).